The following is an entry in ClinVar:

ClinVar aggregate classification (germline): Uncertain significance. Review status: criteria provided, multiple submitters, no conflicts (2 of 4 stars). 4 submissions from 4 submitters: Uncertain significance (4). Last evaluated 2024-12-07.

Conditions:
Coloboma, osteopetrosis, microphthalmia, macrocephaly, albinism, and deafness (COMMAD). Also called: COMMAD syndrome. Identifiers: Orphanet 603494, MedGen C4310625, MONDO:0015014, OMIM 617306.
Melanoma, cutaneous malignant, susceptibility to, 8. Also called: Cutaneous malignant melanoma 8; MELANOMA AND RENAL CELL CARCINOMA, SUSCEPTIBILITY TO. Identifiers: Orphanet 293822, MedGen C3152204, MONDO:0013759, OMIM 614456.
Tietz syndrome (TADS). Also called: ALBINISM-DEAFNESS OF TIETZ; HYPOPIGMENTATION/DEAFNESS OF TIETZ; TIETZ ALBINISM-DEAFNESS SYNDROME. Identifiers: Orphanet 42665, MedGen C0391816, MONDO:0007077, OMIM 103500.
Waardenburg syndrome type 2A (WS2A). Also called: WAARDENBURG SYNDROME WITHOUT DYSTOPIA CANTHORUM. Identifiers: Orphanet 3440, MedGen C1860339, MONDO:0008671, OMIM 193510.
Hereditary cancer-predisposing syndrome. Also called: Neoplastic Syndromes, Hereditary; Tumor predisposition; Hereditary Cancer Syndrome; Hereditary neoplastic syndrome. Identifiers: Orphanet 140162, MedGen C0027672, MeSH D009386, MONDO:0015356.

gnomAD v4.1: 23 of 1,614,032 alleles (0.0014%); highest among the groups gnomAD compares: Non-Finnish European, 0.0019%; no homozygotes.

Submissions (4):

Ambry Genetics
Classification: Uncertain significance for Hereditary cancer-predisposing syndrome. Last evaluated: 2024-12-07. Review status: criteria provided, single submitter. Criteria: Ambry Variant Classification Scheme 2023. Collection method: clinical testing. Allele origin: germline.
Comment: The p.E287D variant (also known as c.861A>T), located in coding exon 9 of the MITF gene, results from an A to T substitution at nucleotide position 861. The glutamic acid at codon 287 is replaced by aspartic acid, an amino acid with highly similar properties. This amino acid position is conserved. In addition, this alteration is predicted to be tolerated by in silico analysis. Based on the available evidence, the clinical significance of this variant remains unclear.

Labcorp Genetics (formerly Invitae), Labcorp
Classification: Uncertain significance for Melanoma, cutaneous malignant, susceptibility to, 8; Waardenburg syndrome type 2A; Tietz syndrome. Last evaluated: 2024-11-02. Review status: criteria provided, single submitter. Criteria: Invitae Variant Classification Sherloc (09022015). Collection method: clinical testing. Allele origin: germline.
Comment: This sequence change replaces glutamic acid, which is acidic and polar, with aspartic acid, which is acidic and polar, at codon 287 of the MITF protein (p.Glu287Asp). This variant is present in population databases (rs137904015, gnomAD 0.003%). This variant has not been reported in the literature in individuals affected with MITF-related conditions. ClinVar contains an entry for this variant (Variation ID: 2943489). An algorithm developed to predict the effect of missense changes on protein structure and function (PolyPhen-2) suggests that this variant is likely to be disruptive. In summary, the available evidence is currently insufficient to determine the role of this variant in disease. Therefore, it has been classified as a Variant of Uncertain Significance.

Fulgent Genetics
Classification: Uncertain significance for Tietz syndrome; Waardenburg syndrome type 2A; Melanoma, cutaneous malignant, susceptibility to, 8; Coloboma, osteopetrosis, microphthalmia, macrocephaly, albinism, and deafness. Last evaluated: 2024-04-09. Review status: criteria provided, single submitter. Criteria: ACMG Guidelines, 2015. Collection method: clinical testing. Allele origin: germline.

GeneDx
Classification: Uncertain significance. Last evaluated: 2023-11-29. Review status: criteria provided, single submitter. Criteria: GeneDx Variant Classification Process June 2021. Collection method: clinical testing. Allele origin: germline. Affected: yes.
Comment: In silico analysis supports that this missense variant has a deleterious effect on protein structure/function; Has not been previously published as pathogenic or benign to our knowledge

NM_001354604.2(MITF):c.1182A>T (p.Glu394Asp)

Gene: MITF (melanocyte inducing transcription factor; plus strand). Cytogenetic location: 3p13.
Variant type: single nucleotide variant.
Coding change: c.1182A>T on transcript NM_001354604.2 (MANE Select); coding-DNA position 1182, A replaced by T.
Protein change: p.Glu394Asp; replaces glutamic acid 394 with aspartic acid.
Molecular consequence: missense variant.
Genome position (GRCh38, 1-based): chr3:69,964,849, A>T. VCF-style: chr3-69964849-A-T. GRCh37 (hg19) VCF-style: chr3-70014000-A-T.
Other names: c.861A>T, p.Glu287Asp (NM_000248.4); c.1008A>T, p.Glu336Asp (NM_001184967.2, NM_001354608.2); c.1179A>T, p.Glu393Asp (NM_001354605.2); c.1161A>T, p.Glu387Asp (NM_001354606.2, NM_006722.3); c.1113A>T, p.Glu371Asp (NM_001354607.2); c.843A>T, p.Glu281Asp (NM_198158.3); c.1164A>T, p.Glu388Asp (NM_198159.3); c.1116A>T, p.Glu372Asp (NM_198177.3); and 1 more; short protein forms E225D, E287D, E387D, E372D, E393D, E394D, E281D, E336D.
Identifiers: ClinVar variation 2943489 (VCV002943489.5), dbSNP rs137904015, ClinGen allele CA77003516.
Genomic context (GRCh38, chr3:69,964,849, plus strand): 5'-GCTTAAAAGTCCTCTGTGCTCTGCCTATTTCAGTGTTTTATCTTTACTCTTATTATAGGA[A>T]CTTGAAATGCAGGCTCGAGCTCATGGACTTTCCCTTATTCCATCCACGGGTCTCTGCTCT-3'
Protein context (NP_001341533.1, residues 384-404): ANRHLLLRIQ[Glu394Asp]LEMQARAHGL